The following is an entry in ClinVar:

NM_001710.6(CFB):c.405C>T (p.Tyr135=)

Gene: CFB (complement factor B; plus strand). Cytogenetic location: 6p21.33.
Variant type: single nucleotide variant.
Coding change: c.405C>T on transcript NM_001710.6 (MANE Select); coding-DNA position 405, C replaced by T.
Protein change: p.Tyr135=; no amino-acid change (tyrosine 135 retained).
Molecular consequence: synonymous variant.
Genome position (GRCh38, 1-based): chr6:31,947,113, C>T. VCF-style: chr6-31947113-C-T. GRCh37 (hg19) VCF-style: chr6-31914890-C-T.
Other names: p.Tyr135=.
Identifiers: ClinVar variation 356271 (VCV000356271.23), dbSNP rs4151650, ClinGen allele CA3728029.

ClinVar aggregate classification (germline): Benign/Likely benign. Review status: criteria provided, multiple submitters, no conflicts (2 of 4 stars). 9 submissions from 9 submitters: Benign (6); Likely benign (2). 1 of the submissions does not count toward it. Last evaluated 2026-02-02.

Conditions:
Atypical hemolytic-uremic syndrome with B factor anomaly. Also called: HEMOLYTIC UREMIC SYNDROME, ATYPICAL, SUSCEPTIBILITY TO, 4; AHUS, SUSCEPTIBILITY TO, 4. Identifiers: Orphanet 2134, MedGen C2752038, MONDO:0013042, OMIM 612924.
CFB-related disorder. Also called: CFB-related condition; CFB-related disorders.
Atypical hemolytic-uremic syndrome. Identifiers: Orphanet 2134, MedGen C2931788, MONDO:0016244.

Allele frequency attached by ClinVar (database versions not stated): gnomAD exomes 0.00149 and 0.00360; ExAC 0.00386; 1000 Genomes Project 0.00919; 1000 Genomes Project 30x 0.01031; gnomAD 0.01107 and 0.01202; ESP Exome Variant Server 0.01233; TOPMed 0.01252.
gnomAD v4.1: 3,969 of 1,613,052 alleles (0.25%); highest among the groups gnomAD compares: African/African-American, 3.2%; 47 homozygotes.

Submissions (9):

Labcorp Genetics (formerly Invitae), Labcorp
Classification: Benign. Last evaluated: 2026-02-02. Review status: criteria provided, single submitter. Criteria: Invitae Variant Classification Sherloc (09022015). Collection method: clinical testing. Allele origin: germline.

Women's Health and Genetics/Laboratory Corporation of America, LabCorp
Classification: Benign. Last evaluated: 2026-01-22. Review status: criteria provided, single submitter. Criteria: LabCorp Variant Classification Summary - May 2015. Collection method: clinical testing. Allele origin: germline.

Genomenon, Inc
Classification: Benign for Atypical hemolytic-uremic syndrome. Last evaluated: 2025-09-26. Review status: criteria provided, single submitter. Criteria: Genomenon Sequence Variant Interpretation Standards - Updated. Collection method: curation. Allele origin: germline. Affected: no.
Comment: CFB p.Tyr135= (c.405C>T) is a synonymous variant that retains Tyrosine at residue 135. This variant has been reported in the published literature (PMID:27759029;20205591;16518403). This variant is present at high allele frequency in population databases. In conclusion, we classify CFB p.Tyr135= (c.405C>T) as a benign variant.

Blueprint Genetics
Classification: Likely benign. Last evaluated: 2024-11-05. Review status: criteria provided, single submitter. Criteria: ACMG Guidelines, 2015. Collection method: clinical testing. Allele origin: germline.

Mayo Clinic Laboratories, Mayo Clinic
Classification: Benign. Last evaluated: 2022-10-27. Review status: criteria provided, single submitter. Criteria: ACMG Guidelines, 2015. Collection method: clinical testing. Allele origin: germline. Observed: 58 variant alleles.
Comment: BS1, BS2, BP4, BP7

Genome Diagnostics Laboratory, The Hospital for Sick Children
Classification: Benign for Atypical hemolytic-uremic syndrome. Last evaluated: 2022-08-10. Review status: criteria provided, single submitter. Criteria: ACMG Guidelines, 2015. Collection method: clinical testing. Allele origin: germline.

Illumina Laboratory Services, Illumina
Classification: Benign for Atypical hemolytic-uremic syndrome with B factor anomaly. Last evaluated: 2018-01-13. Review status: criteria provided, single submitter. Criteria: ICSL Variant Classification Criteria 13 December 2019. Collection method: clinical testing. Allele origin: germline.
Comment: This variant was observed in the ICSL laboratory as part of a predisposition screen in an ostensibly healthy population. It had not been previously curated by ICSL or reported in the Human Gene Mutation Database (HGMD: prior to June 1st, 2018), and was therefore a candidate for classification through an automated scoring system. Utilizing variant allele frequency, disease prevalence and penetrance estimates, and inheritance mode, an automated score was calculated to assess if this variant is too frequent to cause the disease. Based on the score and internal cut-off values, a variant classified as benign is not then subjected to further curation. The score for this variant resulted in a classification of benign for this disease.

Breakthrough Genomics
Classification: Likely benign. Review status: criteria provided, single submitter. Criteria: ACMG Guidelines, 2015. Collection method: not provided. Allele origin: germline. Inheritance: Autosomal recessive inheritance. Affected: yes.

PreventionGenetics, part of Exact Sciences
Classification: Benign for CFB-related condition. Last evaluated: 2019-07-11. Review status: no assertion criteria provided. Collection method: clinical testing. Allele origin: germline. Not counted in ClinVar's aggregate classification.
Comment: This variant is classified as benign based on ACMG/AMP sequence variant interpretation guidelines (Richards et al. 2015 PMID: 25741868, with internal and published modifications).

Literature cited by the submitters: PubMed 27759029 (cited by Genomenon, Inc); 20205591 (cited by Genomenon, Inc); 16518403 (cited by Genomenon, Inc).